The following is an entry in ClinVar:

NM_001368397.1(FRMPD4):c.1398C>T (p.His466=)

Gene: FRMPD4 (FERM and PDZ domain containing 4; plus strand). Cytogenetic location: Xp22.2.
Variant type: single nucleotide variant.
Coding change: c.1398C>T on transcript NM_001368397.1 (MANE Select); coding-DNA position 1398, C replaced by T.
Protein change: p.His466=; no amino-acid change (histidine 466 retained).
Molecular consequence: synonymous variant.
Genome position (GRCh38, 1-based): chrX:12,707,579, C>T. VCF-style: chrX-12707579-C-T. GRCh37 (hg19) VCF-style: chrX-12725698-C-T.
Other names: c.1509C>T, p.His503= (NM_001368395.3, NM_001368398.3); c.1404C>T, p.His468= (NM_001368396.3); c.1389C>T, p.His463= (NM_001368399.3); c.1278C>T, p.His426= (NM_001368400.3); c.1374C>T, p.His458= (NM_001368401.1, NM_001368402.3); c.1398C>T, p.His466= (NM_014728.3).
Identifiers: ClinVar variation 730022 (VCV000730022.6), dbSNP rs201869535, ClinGen allele CA10349281.

ClinVar aggregate classification (germline): Likely benign. Review status: criteria provided, single submitter (1 of 4 stars). 2 submissions from 2 submitters: Likely benign (1). 1 of the submissions does not count toward it. Last evaluated 2019-12-31.

Conditions:
FRMPD4-related disorder. Also called: FRMPD4-related condition.

Allele frequency attached by ClinVar (database versions not stated): gnomAD exomes 0.00024 and 0.00050; ExAC 0.00026; ESP Exome Variant Server 0.00028; gnomAD 0.00033 and 0.00036; TOPMed 0.00033.
gnomAD v4.1: 577 of 1,209,373 alleles (0.048%); highest among the groups gnomAD compares: Non-Finnish European, 0.061%; no homozygotes.

Submissions (2):

Labcorp Genetics (formerly Invitae), Labcorp
Classification: Likely benign. Last evaluated: 2019-12-31. Review status: criteria provided, single submitter. Criteria: Invitae Variant Classification Sherloc (09022015). Collection method: clinical testing. Allele origin: germline.

PreventionGenetics, part of Exact Sciences
Classification: Likely benign for FRMPD4-related condition. Last evaluated: 2019-03-15. Review status: no assertion criteria provided. Collection method: clinical testing. Allele origin: germline. Not counted in ClinVar's aggregate classification.
Comment: This variant is classified as likely benign based on ACMG/AMP sequence variant interpretation guidelines (Richards et al. 2015 PMID: 25741868, with internal and published modifications).